The following is an entry in ClinVar:

ClinVar aggregate classification (germline): Likely pathogenic. Review status: criteria provided, multiple submitters, no conflicts (2 of 4 stars). 3 submissions from 3 submitters: Likely pathogenic (3). Last evaluated 2025-03-09.

Conditions:
Polycystic kidney disease 4 (PKD4). Also called: POLYCYSTIC KIDNEY DISEASE 4 WITH OR WITHOUT POLYCYSTIC LIVER DISEASE; PKD3; POLYCYSTIC KIDNEY AND HEPATIC DISEASE 1; POLYCYSTIC KIDNEY DISEASE, INFANTILE, TYPE I; Autosomal Recessive Polycystic Kidney Disease – PKHD1. Identifiers: MedGen C4540575, MONDO:0033004, OMIM 263200.
Autosomal recessive polycystic kidney disease (ARPKD). Also called: AR polycystic kidney disease. Identifiers: Orphanet 731, Orphanet 8378, MedGen C0085548, MeSH D017044, MONDO:0009889.

gnomAD v4.1: 2 of 1,613,686 alleles (0.00012%); highest among the groups gnomAD compares: South Asian, 0.0011%; no homozygotes.

Submissions (3):

Natera, Inc.
Classification: Likely pathogenic for Autosomal recessive polycystic kidney disease. Last evaluated: 2025-03-09. Review status: criteria provided, single submitter. Criteria: Natera Variant Classification Schema (03/2026). Collection method: clinical testing. Allele origin: germline.
Comment: The c.10744G>T variant in PKHD1 is a nonsense variant predicted to introduce a stop codon at amino acid 3582. This variant is expected to result in nonsense mediated decay, truncation, or a dysfunctional protein product. This variant is rare in the general population with a frequency below the threshold expected for the associated phenotype(s). Given the available evidence, this variant is classified as Likely Pathogenic.

Fulgent Genetics
Classification: Likely pathogenic for Polycystic kidney disease 4. Last evaluated: 2024-03-07. Review status: criteria provided, single submitter. Criteria: ACMG Guidelines, 2015. Collection method: clinical testing. Allele origin: germline.

Women's Health and Genetics/Laboratory Corporation of America, LabCorp
Classification: Likely pathogenic for Autosomal recessive polycystic kidney disease. Last evaluated: 2018-02-26. Review status: criteria provided, single submitter. Criteria: LabCorp Variant Classification Summary - May 2015. Collection method: clinical testing. Allele origin: germline.
Comment: Variant summary: PKHD1 c.10744G>T (p.Glu3582X) results in a premature termination codon, predicted to cause a truncation of the encoded protein or absence of the protein due to nonsense mediated decay, which are commonly known mechanisms for disease. A truncation downstream of this position has been classified as pathogenic by our laboratory (c.11314C>T (p.Arg3772X)). The variant allele was found at a frequency of 4.1e-06 in 245594 control chromosomes. To our knowledge, no occurrence of c.10744G>T in individuals affected with Polycystic Kidney and Hepatic Disease and no experimental evidence demonstrating its impact on protein function have been reported. No clinical diagnostic laboratories have submitted clinical-significance assessments for this variant to ClinVar after 2014. Based on the evidence outlined above, the variant was classified as likely pathogenic.

NM_138694.4(PKHD1):c.10744G>T (p.Glu3582Ter)

Gene: PKHD1 (PKHD1 ciliary IPT domain containing fibrocystin/polyductin; minus strand). Cytogenetic location: 6p12.3.
Variant type: single nucleotide variant.
Coding change: c.10744G>T on transcript NM_138694.4 (MANE Select); coding-DNA position 10744, G replaced by T.
Protein change: p.Glu3582Ter; replaces glutamic acid 3582 with a stop codon.
Molecular consequence: nonsense.
Genome position (GRCh38, 1-based): chr6:51,659,382, C>A on the plus strand (G>T on the coding strand, the complement: PKHD1 is on the minus strand). VCF-style: chr6-51659382-C-A. GRCh37 (hg19) VCF-style: chr6-51524180-C-A.
Other names: short protein forms E3582*.
Identifiers: ClinVar variation 633356 (VCV000633356.9), dbSNP rs148300854, ClinGen allele CA3851024.
Genomic context (GRCh38, chr6:51,659,382, plus strand): 5'-GCATCTCGTGAATAAACCTGATTTGGTTTTGGCCAATCTGTAAGAAGTTAGTTAGTCTTT[C>A]GAGTATTACTATTTCCCAGCCTTTTTCTAAGACTGAAACCATCACAGTGAGGGCCAAGTG-3'